The following is an entry in ClinVar:

NM_001040108.2(MLH3):c.3521A>G (p.Asn1174Ser)

Gene: MLH3 (mutL homolog 3; minus strand). Cytogenetic location: 14q24.3.
Variant type: single nucleotide variant.
Coding change: c.3521A>G on transcript NM_001040108.2 (MANE Select); coding-DNA position 3521, A replaced by G.
Protein change: p.Asn1174Ser; replaces asparagine 1174 with serine.
Molecular consequence: missense variant.
Genome position (GRCh38, 1-based): chr14:75,039,960, T>C on the plus strand (A>G on the coding strand, the complement: MLH3 is on the minus strand). VCF-style: chr14-75039960-T-C. GRCh37 (hg19) VCF-style: chr14-75506663-T-C.
Other names: c.3521A>G, p.Asn1174Ser (NM_014381.3); short protein forms N1174S.
Identifiers: ClinVar variation 3295142 (VCV003295142.1).

ClinVar aggregate classification (germline): Uncertain significance (1 of 4 stars; one submission).

gnomAD v4.1: 1 of 1,598,218 alleles (0.000063%); highest among the groups gnomAD compares: South Asian, 0.0011%; no homozygotes.

Submission:

Ambry Genetics
Classification: Uncertain significance. Last evaluated: 2024-05-18. Review status: criteria provided, single submitter. Criteria: Ambry Variant Classification Scheme 2023. Collection method: clinical testing. Allele origin: germline.
Comment: The p.N1174S variant (also known as c.3521A>G), located in coding exon 4 of the MLH3 gene, results from an A to G substitution at nucleotide position 3521. The asparagine at codon 1174 is replaced by serine, an amino acid with highly similar properties. This amino acid position is conserved. In addition, this alteration is predicted to be tolerated by in silico analysis. Based on the available evidence, the clinical significance of this variant remains unclear.